The following is an entry in ClinVar:

ClinVar aggregate classification (germline): Pathogenic/Likely pathogenic. Review status: criteria provided, multiple submitters, no conflicts (2 of 4 stars). 3 submissions from 3 submitters: Pathogenic (2); Likely pathogenic (1). Last evaluated 2024-07-08.

Conditions:
Citrullinemia type I (CTNL1). Also called: ASS DEFICIENCY; argininosuccinate synthetase deficiency. Identifiers: Orphanet 247525, MedGen C4721769, MONDO:0008988, OMIM 215700.
Citrullinemia. Identifiers: Orphanet 187, MedGen C0175683, MONDO:0015991.

gnomAD v4.1: 1 of 1,612,802 alleles (0.000062%); highest among the groups gnomAD compares: Non-Finnish European, 0.000085%; no homozygotes.

Submissions (3):

Natera, Inc.
Classification: Pathogenic for Citrullinemia type I. Last evaluated: 2024-07-08. Review status: criteria provided, single submitter. Criteria: Natera Variant Classification Schema (03/2026). Collection method: clinical testing. Allele origin: germline.
Comment: The c.350G>A variant in ASS1 is a missense variant predicted to cause substitution of glycine to aspartic acid at amino acid 117. This variant is rare in the general population with a frequency below the threshold expected for the associated phenotype(s). This variant has been observed in one or more individuals affected with the associated recessive disease, as either homozygous or compound heterozygous with a second variant (PMID: 35433176, 12815590, 30285816, 11708871). Additionally, this variant has been observed to segregate in affected family members (PMID: 35433176). A different variant at the same position has been determined to be Pathogenic or Likely Pathogenic. Computational prediction algorithms indicate this variant is likely to affect gene or protein function. Given the available evidence, this variant is classified as Pathogenic.

Labcorp Genetics (formerly Invitae), Labcorp
Classification: Pathogenic for Citrullinemia. Last evaluated: 2024-02-16. Review status: criteria provided, single submitter. Criteria: Invitae Variant Classification Sherloc (09022015). Collection method: clinical testing. Allele origin: germline.
Comment: This sequence change replaces glycine, which is neutral and non-polar, with aspartic acid, which is acidic and polar, at codon 117 of the ASS1 protein (p.Gly117Asp). This variant is not present in population databases (gnomAD no frequency). This missense change has been observed in individual(s) with citrullinemia type I (PMID: 12815590, 30285816). In at least one individual the data is consistent with being in trans (on the opposite chromosome) from a pathogenic variant. ClinVar contains an entry for this variant (Variation ID: 813405). Advanced modeling of protein sequence and biophysical properties (such as structural, functional, and spatial information, amino acid conservation, physicochemical variation, residue mobility, and thermodynamic stability) performed at Invitae indicates that this missense variant is expected to disrupt ASS1 protein function with a positive predictive value of 80%. This variant disrupts the p.Gly117 amino acid residue in ASS1. Other variant(s) that disrupt this residue have been determined to be pathogenic (PMID: 12815590, 16124451, 27287393). This suggests that this residue is clinically significant, and that variants that disrupt this residue are likely to be disease-causing. For these reasons, this variant has been classified as Pathogenic.

Baylor Genetics
Classification: Likely pathogenic for Citrullinemia type I. Review status: criteria provided, single submitter. Criteria: ACMG Guidelines, 2015. Collection method: clinical testing. Allele origin: germline.

Literature cited by the submitters: PubMed 35433176 (cited by Natera, Inc.); PubMed 12815590 (cited by Natera, Inc. and Labcorp Genetics (formerly Invitae), Labcorp); PubMed 30285816 (cited by Natera, Inc. and Labcorp Genetics (formerly Invitae), Labcorp); PubMed 11708871 (cited by Natera, Inc.); PubMed 16124451 (cited by Labcorp Genetics (formerly Invitae), Labcorp); PubMed 27287393 (cited by Labcorp Genetics (formerly Invitae), Labcorp).

NM_054012.4(ASS1):c.350G>A (p.Gly117Asp)

Gene: ASS1 (argininosuccinate synthase 1; plus strand). Cytogenetic location: 9q34.11.
Variant type: single nucleotide variant.
Coding change: c.350G>A on transcript NM_054012.4 (MANE Select); coding-DNA position 350, G replaced by A.
Protein change: p.Gly117Asp; replaces glycine 117 with aspartic acid.
Molecular consequence: missense variant.
Genome position (GRCh38, 1-based): chr9:130,458,576, G>A. VCF-style: chr9-130458576-G-A. GRCh37 (hg19) VCF-style: chr9-133333963-G-A.
Other names: c.350G>A, p.Gly117Asp (NM_000050.4); short protein forms G117D.
Identifiers: ClinVar variation 813405 (VCV000813405.7), dbSNP rs745404241, ClinGen allele CA375225343.